The following is an entry in ClinVar:

ClinVar aggregate classification (germline): Uncertain significance (1 of 4 stars; one submission).

Allele frequency attached by ClinVar (database versions not stated): gnomAD exomes below 0.00001; TOPMed below 0.00001; gnomAD 0.00001.
gnomAD v4.1: 3 of 1,613,334 alleles (0.00019%); highest among the groups gnomAD compares: African/African-American, 0.0013%; no homozygotes.

Submission:

Labcorp Genetics (formerly Invitae), Labcorp
Classification: Uncertain significance. Last evaluated: 2022-08-09. Review status: criteria provided, single submitter. Criteria: Invitae Variant Classification Sherloc (09022015). Collection method: clinical testing. Allele origin: germline.
Comment: This sequence change replaces arginine, which is basic and polar, with glutamine, which is neutral and polar, at codon 117 of the CNTNAP1 protein (p.Arg117Gln). This variant is not present in population databases (gnomAD no frequency). This variant has not been reported in the literature in individuals affected with CNTNAP1-related conditions. ClinVar contains an entry for this variant (Variation ID: 1480603). Algorithms developed to predict the effect of missense changes on protein structure and function output the following: SIFT: "Tolerated"; PolyPhen-2: "Benign"; Align-GVGD: "Class C0". The glutamine amino acid residue is found in multiple mammalian species, which suggests that this missense change does not adversely affect protein function. In summary, the available evidence is currently insufficient to determine the role of this variant in disease. Therefore, it has been classified as a Variant of Uncertain Significance.

NM_003632.3(CNTNAP1):c.350G>A (p.Arg117Gln)

Gene: CNTNAP1 (contactin associated protein 1; plus strand). Cytogenetic location: 17q21.2.
Variant type: single nucleotide variant.
Coding change: c.350G>A on transcript NM_003632.3 (MANE Select); coding-DNA position 350, G replaced by A.
Protein change: p.Arg117Gln; replaces arginine 117 with glutamine.
Molecular consequence: missense variant.
Genome position (GRCh38, 1-based): chr17:42,684,216, G>A. VCF-style: chr17-42684216-G-A. GRCh37 (hg19) VCF-style: chr17-40836234-G-A.
Other names: short protein forms R117Q.
Identifiers: ClinVar variation 1480603 (VCV001480603.6), dbSNP rs1380320887, ClinGen allele CA399632837.